The following is an entry in ClinVar:

NM_015295.3(SMCHD1):c.2347C>A (p.Gln783Lys)

Gene: SMCHD1 (structural maintenance of chromosomes flexible hinge domain containing 1; plus strand). Cytogenetic location: 18p11.32.
Variant type: single nucleotide variant.
Coding change: c.2347C>A on transcript NM_015295.3 (MANE Select); coding-DNA position 2347, C replaced by A.
Protein change: p.Gln783Lys; replaces glutamine 783 with lysine.
Molecular consequence: missense variant.
Genome position (GRCh38, 1-based): chr18:2,718,323, C>A. VCF-style: chr18-2718323-C-A. GRCh37 (hg19) VCF-style: chr18-2718321-C-A.
Other names: short protein forms Q783K.
Identifiers: ClinVar variation 3663226 (VCV003663226.2).

ClinVar aggregate classification (germline): Uncertain significance (1 of 4 stars; one submission).

Conditions:
Facioscapulohumeral muscular dystrophy 2 (FSHD2). Also called: MUSCULAR DYSTROPHY, FACIOSCAPULOHUMERAL, TYPE 1B; FACIOSCAPULOHUMERAL MUSCULAR DYSTROPHY 2, DIGENIC; FSHD2, DIGENIC. Identifiers: Orphanet 269, MedGen C1834671, MONDO:0008031, OMIM 158901.

Submission:

Labcorp Genetics (formerly Invitae), Labcorp
Classification: Uncertain significance for Facioscapulohumeral muscular dystrophy 2. Last evaluated: 2025-01-22. Review status: criteria provided, single submitter. Criteria: Invitae Variant Classification Sherloc (09022015). Collection method: clinical testing. Allele origin: germline.
Comment: This sequence change replaces glutamine, which is neutral and polar, with lysine, which is basic and polar, at codon 783 of the SMCHD1 protein (p.Gln783Lys). This variant is not present in population databases (gnomAD no frequency). This variant has not been reported in the literature in individuals affected with SMCHD1-related conditions. Invitae Evidence Modeling of protein sequence and biophysical properties (such as structural, functional, and spatial information, amino acid conservation, physicochemical variation, residue mobility, and thermodynamic stability) indicates that this missense variant is not expected to disrupt SMCHD1 protein function with a negative predictive value of 80%. In summary, the available evidence is currently insufficient to determine the role of this variant in disease. Therefore, it has been classified as a Variant of Uncertain Significance.